The following is an entry in ClinVar:

NM_004055.5(CAPN5):c.1127G>T (p.Gly376Val)

Gene: CAPN5 (calpain 5; plus strand). Cytogenetic location: 11q13.5.
Variant type: single nucleotide variant.
Coding change: c.1127G>T on transcript NM_004055.5 (MANE Select); coding-DNA position 1127, G replaced by T.
Protein change: p.Gly376Val; replaces glycine 376 with valine.
Molecular consequence: missense variant. On other transcripts: non-coding transcript variant (1).
Genome position (GRCh38, 1-based): chr11:77,118,312, G>T. VCF-style: chr11-77118312-G-T. GRCh37 (hg19) VCF-style: chr11-76829358-G-T.
Other names: c.1247G>T, p.Gly416Val (NM_001425321.1); c.1127G>T, p.Gly376Val (NM_001425322.1); c.995G>T, p.Gly332Val (NM_001425323.1); short protein forms G332V, G416V, G376V.
Identifiers: ClinVar variation 4690403 (VCV004690403.2).
Genomic context (GRCh38, chr11:77,118,312, plus strand): 5'-AGGCCCGGCTGCATGGCGCCTGGACGCTGCATGAGGACCCGCGACAGAACCGCGGTGGCG[G>T]CTGCATCAACCACAAGGACACCTTCTTCCAGAACCCACAGGTGGGCGTTCTCAGGAACCC-3'
Protein context (NP_004046.2, residues 366-386): HEDPRQNRGG[Gly376Val]CINHKDTFFQ

ClinVar aggregate classification (germline): Conflicting classifications of pathogenicity. Review status: criteria provided, conflicting classifications (1 of 4 stars). 2 submissions from 2 submitters: Uncertain significance (1); Likely benign (1). Last evaluated 2025-08-11.

gnomAD v4.1: 66 of 1,607,878 alleles (0.0041%); highest among the groups gnomAD compares: South Asian, 0.071%; no homozygotes.

Submissions (2):

Labcorp Genetics (formerly Invitae), Labcorp
Classification: Uncertain significance. Last evaluated: 2025-08-11. Review status: criteria provided, single submitter. Criteria: Invitae Variant Classification Sherloc (09022015). Collection method: clinical testing. Allele origin: germline.
Comment: This sequence change replaces glycine, which is neutral and non-polar, with valine, which is neutral and non-polar, at codon 376 of the CAPN5 protein (p.Gly376Val). This variant is present in population databases (rs782480766, gnomAD 0.06%), and has an allele count higher than expected for a pathogenic variant. This variant has not been reported in the literature in individuals affected with CAPN5-related conditions. Invitae Evidence Modeling of protein sequence and biophysical properties (such as structural, functional, and spatial information, amino acid conservation, physicochemical variation, residue mobility, and thermodynamic stability) indicates that this missense variant is expected to disrupt CAPN5 protein function with a positive predictive value of 80%. In summary, the available evidence is currently insufficient to determine the role of this variant in disease. Therefore, it has been classified as a Variant of Uncertain Significance.

Blueprint Genetics
Classification: Likely benign. Last evaluated: 2022-06-02. Review status: criteria provided, single submitter. Criteria: ACMG Guidelines, 2015. Collection method: clinical testing. Allele origin: germline.